The following is an entry in ClinVar:

ClinVar aggregate classification (germline): Uncertain significance (1 of 4 stars; one submission).

Conditions:
Glycogen storage disease type X (GSD10). Also called: PGAMM DEFICIENCY; PHOSPHOGLYCERATE MUTASE, MUSCLE, DEFICIENCY OF; Glycogen storage disease due to phosphoglycerate mutase deficiency; Dimauro disease; GSD X; MYOPATHY DUE TO PHOSPHOGLYCERATE MUTASE DEFICIENCY. Identifiers: Orphanet 97234, MedGen C0268149, MONDO:0009865, OMIM 261670.

Submission:

Labcorp Genetics (formerly Invitae), Labcorp
Classification: Uncertain significance for Glycogen storage disease type X. Last evaluated: 2019-01-08. Review status: criteria provided, single submitter. Criteria: Invitae Variant Classification Sherloc (09022015). Collection method: clinical testing. Allele origin: germline.
Comment: In summary, the available evidence is currently insufficient to determine the role of this variant in disease. Therefore, it has been classified as a Variant of Uncertain Significance. This variant, c.35_37del, results in the deletion of 1 amino acid(s) of the PGAM2 protein (p.Gly12del), but otherwise preserves the integrity of the reading frame. This variant is not present in population databases (ExAC no frequency). This variant has not been reported in the literature in individuals with PGAM2-related conditions. Experimental studies and prediction algorithms are not available for this variant, and the functional significance of the affected amino acid(s) is currently unknown.

NM_000290.4(PGAM2):c.35_37del (p.Gly12del)

Genes: DBNL (drebrin like; plus strand), PGAM2 (phosphoglycerate mutase 2; minus strand). Cytogenetic location: 7p13.
Variant type: Deletion.
Coding change: c.35_37del on transcript NM_000290.4 (MANE Select); coding-DNA positions 35 to 37, 3 bases deleted (GCG; older notation c.35_37delGCG).
Protein change: p.Gly12del; deletes glycine 12.
Molecular consequence: inframe deletion. On other transcripts: 3 prime UTR variant (6).
Genome position (GRCh38, 1-based): chr7:44,065,493-44,065,495, CGC deleted on the plus strand (GCG on the coding strand, the reverse complement: PGAM2 is on the minus strand); deleting any 3 consecutive bases within chr7:44,065,493-44,065,497 gives the same sequence; the c. name uses the placement nearest the transcript's 3' end. VCF-style (leftmost placement, unchanged base first): chr7-44065492-TCGC-T. GRCh37 (hg19) VCF-style: chr7-44105091-TCGC-T.
Other names: c.*4579_*4581del (NM_001014436.3, NM_001122956.2, NM_001284313.2 and 3 more transcripts); short protein forms G12del.
Identifiers: ClinVar variation 855026 (VCV000855026.9), dbSNP rs2096158222, ClinGen allele CA916082928.
Genomic context (GRCh38, chr7:44,065,492, plus strand): 5'-TTTTCACTCAGCTCTGCATCGAACCAGCCACAGAAACGGTTCTCCTGGTTCCATGTGCTC[TCGC>T]CGTGCCGGACCATCACGAGGCGGTGAGTGGCCATGGTGGCAGCAGGGACCACAGAGGACT-3'